The following is an entry in ClinVar:

NM_006014.5(LAGE3):c.365A>C (p.Asn122Thr)

Gene: LAGE3 (L antigen family member 3; minus strand). Cytogenetic location: Xq28.
Variant type: single nucleotide variant.
Coding change: c.365A>C on transcript NM_006014.5 (MANE Select); coding-DNA position 365, A replaced by C.
Protein change: p.Asn122Thr; replaces asparagine 122 with threonine.
Molecular consequence: missense variant.
Genome position (GRCh38, 1-based): chrX:154,478,011, T>G on the plus strand (A>C on the coding strand, the complement: LAGE3 is on the minus strand). VCF-style: chrX-154478011-T-G. GRCh37 (hg19) VCF-style: chrX-153706350-T-G.
Other names: short protein forms N122T.
Identifiers: ClinVar variation 4993474 (VCV004993474.1).

ClinVar aggregate classification (germline): Uncertain significance (1 of 4 stars; one submission).

Conditions:
LAGE3-related disorder. Also called: LAGE3-related condition.

Submission:

PreventionGenetics, part of Exact Sciences
Classification: Uncertain significance for LAGE3-related condition. Last evaluated: 2026-02-23. Review status: criteria provided, single submitter. Criteria: ACMG Guidelines, 2015. Collection method: clinical testing. Allele origin: germline.
Comment: The LAGE3 c.365A>C variant is predicted to result in the amino acid substitution p.Asn122Thr. To our knowledge, this variant has not been reported in the literature or in a large population database (gnomAD), indicating this variant is rare. At this time, the clinical significance of this variant is uncertain due to the absence of conclusive functional and genetic evidence.